The following is an entry in ClinVar:

ClinVar aggregate classification (germline): Likely benign (1 of 4 stars; one submission).

Conditions:
FHOD3-related disorder. Also called: FHOD3-related condition.

gnomAD v4.1: 96 of 1,591,100 alleles (0.006%); highest among the groups gnomAD compares: African/African-American, 0.12%; no homozygotes.

Submission:

PreventionGenetics, part of Exact Sciences
Classification: Likely benign for FHOD3-related condition. Last evaluated: 2026-02-20. Review status: criteria provided, single submitter. Criteria: ACMG Guidelines, 2015. Collection method: clinical testing. Allele origin: germline.
Comment: This variant is classified as likely benign based on ACMG/AMP sequence variant interpretation guidelines (Richards et al. 2015 PMID: 25741868, with internal and published modifications).

NM_001281740.3(FHOD3):c.1794C>T (p.Pro598=)

Gene: FHOD3 (formin homology 2 domain containing 3; plus strand). Cytogenetic location: 18q12.2.
Variant type: single nucleotide variant.
Coding change: c.1794C>T on transcript NM_001281740.3 (MANE Select); coding-DNA position 1794, C replaced by T.
Protein change: p.Pro598=; no amino-acid change (proline 598 retained).
Molecular consequence: synonymous variant.
Genome position (GRCh38, 1-based): chr18:36,658,147, C>T. VCF-style: chr18-36658147-C-T. GRCh37 (hg19) VCF-style: chr18-34238110-C-T.
Other names: c.1269C>T, p.Pro423= (NM_001281739.3, NM_025135.5).
Identifiers: ClinVar variation 4986077 (VCV004986077.1).